The following is an entry in ClinVar:

ClinVar aggregate classification (germline): Likely benign (1 of 4 stars; one submission).

Conditions:
Retinitis pigmentosa (RP). Identifiers: Orphanet 791, MedGen C0035334, MeSH D012174, MONDO:0019200, OMIM 268000. Inheritance: Autosomal dominant, autosomal recessive and X linked inheritance.

Allele frequency attached by ClinVar (database versions not stated): ExAC 0.00009; gnomAD exomes 0.00040 and 0.00081; gnomAD 0.00054 and 0.00058; TOPMed 0.00090; 1000 Genomes Project 30x 0.00109; 1000 Genomes Project 0.00120.
gnomAD v4.1: 211 of 454,132 alleles (0.046%); highest among the groups gnomAD compares: Admixed American, 0.42%; 1 homozygote.

Submission:

Illumina Laboratory Services, Illumina
Classification: Likely benign for Retinitis pigmentosa. Last evaluated: 2018-01-12. Review status: criteria provided, single submitter. Criteria: ICSL Variant Classification Criteria 13 December 2019. Collection method: clinical testing. Allele origin: germline.
Comment: This variant was observed in the ICSL laboratory as part of a predisposition screen in an ostensibly healthy population. It had not been previously curated by ICSL or reported in the Human Gene Mutation Database (HGMD: prior to June 1st, 2018), and was therefore a candidate for classification through an automated scoring system. Utilizing variant allele frequency, disease prevalence and penetrance estimates, and inheritance mode, an automated score was calculated to assess if this variant is too frequent to cause the disease. Based on the score and internal cut-off values, a variant classified as likely benign is not then subjected to further curation. The score for this variant resulted in a classification of likely benign for this disease.

NM_001031710.3(KLHL7):c.*898A>T

Gene: KLHL7 (kelch like family member 7; plus strand). Cytogenetic location: 7p15.3.
Variant type: single nucleotide variant.
Coding change: c.*898A>T on transcript NM_001031710.3 (MANE Select); 898 bases downstream of the stop codon, A replaced by T.
Molecular consequence: 3 prime UTR variant. On other transcripts: non-coding transcript variant (1).
Genome position (GRCh38, 1-based): chr7:23,175,196, A>T. VCF-style: chr7-23175196-A-T. GRCh37 (hg19) VCF-style: chr7-23214815-A-T.
Other names: c.*898A>T (NM_018846.5).
Identifiers: ClinVar variation 359814 (VCV000359814.5), dbSNP rs557309443, ClinGen allele CA4186730.
Genomic context (GRCh38, chr7:23,175,196, plus strand): 5'-ATCAGTGTTGACTTTGAACTTCTTTAACGAGATCATGAATTCTTTTCCCTTAGCCAAAAC[A>T]TGAAATATTTAACCTAGTTGTCTCTAAAAGTTTTGTAATCATGAGTTAGATATATGTCAT-3'